The following is an entry in ClinVar:

NM_170606.3(KMT2C):c.6751C>T (p.Leu2251=)

Gene: KMT2C (lysine methyltransferase 2C; minus strand). Cytogenetic location: 7q36.1.
Variant type: single nucleotide variant.
Coding change: c.6751C>T on transcript NM_170606.3 (MANE Select); coding-DNA position 6751, C replaced by T.
Protein change: p.Leu2251=; no amino-acid change (leucine 2251 retained).
Molecular consequence: synonymous variant.
Genome position (GRCh38, 1-based): chr7:152,181,109, G>A on the plus strand (C>T on the coding strand, the complement: KMT2C is on the minus strand). VCF-style: chr7-152181109-G-A. GRCh37 (hg19) VCF-style: chr7-151878194-G-A.
Other names: c.6751C>T (NM_170606.2).
Identifiers: ClinVar variation 2959711 (VCV002959711.5), dbSNP rs771211866, ClinGen allele CA4580020.

ClinVar aggregate classification (germline): Benign. Review status: criteria provided, single submitter (1 of 4 stars). 2 submissions from 2 submitters: Benign (1). 1 of the submissions does not count toward it. Last evaluated 2023-07-25.

Conditions:
KMT2C-related disorder. Also called: KMT2C-related condition; KMT2C-related disorders.

gnomAD v4.1: 3 of 1,614,042 alleles (0.00019%); highest among the groups gnomAD compares: East Asian, 0.0022%; no homozygotes.

Submissions (2):

Labcorp Genetics (formerly Invitae), Labcorp
Classification: Benign. Last evaluated: 2023-07-25. Review status: criteria provided, single submitter. Criteria: Invitae Variant Classification Sherloc (09022015). Collection method: clinical testing. Allele origin: germline.

PreventionGenetics, part of Exact Sciences
Classification: Likely benign for KMT2C-related condition. Last evaluated: 2019-02-26. Review status: no assertion criteria provided. Collection method: clinical testing. Allele origin: germline. Not counted in ClinVar's aggregate classification.
Comment: This variant is classified as likely benign based on ACMG/AMP sequence variant interpretation guidelines (Richards et al. 2015 PMID: 25741868, with internal and published modifications).